The following is an entry in ClinVar:

NM_000051.4(ATM):c.1352G>C (p.Arg451Pro)

Gene: ATM (ATM serine/threonine kinase; plus strand). Cytogenetic location: 11q22.3.
Variant type: single nucleotide variant.
Coding change: c.1352G>C on transcript NM_000051.4 (MANE Select); coding-DNA position 1352, G replaced by C.
Protein change: p.Arg451Pro; replaces arginine 451 with proline.
Molecular consequence: missense variant.
Genome position (GRCh38, 1-based): chr11:108,250,817, G>C. VCF-style: chr11-108250817-G-C. GRCh37 (hg19) VCF-style: chr11-108121544-G-C.
Other names: c.1352G>C, p.Arg451Pro (NM_001351834.2); short protein forms R451P.
Identifiers: ClinVar variation 1770633 (VCV001770633.2), dbSNP rs554805703, ClinGen allele CA382533779.
Genomic context (GRCh38, chr11:108,250,817, plus strand): 5'-AGCTGTCTCCATTACTGATGATACTATCTCAGCTTCTACCCCAACAGCGACATGGGGAAC[G>C]TACACCATATGTGTTACGATGCCTTACGGAAGTTGCATTGTGTCAAGACAAGAGGTCAAA-3'
Protein context (NP_000042.3, residues 441-461): QLLPQQRHGE[Arg451Pro]TPYVLRCLTE

ClinVar aggregate classification (germline): Uncertain significance (1 of 4 stars; one submission).

Conditions:
Hereditary cancer-predisposing syndrome. Also called: Hereditary Cancer Syndrome; Hereditary neoplastic syndrome; Neoplastic Syndromes, Hereditary; Tumor predisposition. Identifiers: Orphanet 140162, MedGen C0027672, MeSH D009386, MONDO:0015356.

Submission:

Ambry Genetics
Classification: Uncertain significance for Hereditary cancer-predisposing syndrome. Last evaluated: 2020-08-31. Review status: criteria provided, single submitter. Criteria: Ambry Variant Classification Scheme 2023. Collection method: clinical testing. Allele origin: germline.
Comment: The p.R451P variant (also known as c.1352G>C), located in coding exon 9 of the ATM gene, results from a G to C substitution at nucleotide position 1352. The arginine at codon 451 is replaced by proline, an amino acid with dissimilar properties. This amino acid position is highly conserved in available vertebrate species. In addition, the in silico prediction for this alteration is inconclusive. Since supporting evidence is limited at this time, the clinical significance of this alteration remains unclear.